The following is an entry in ClinVar:

NM_007327.4(GRIN1):c.2013+19G>A

Gene: GRIN1 (glutamate ionotropic receptor NMDA type subunit 1; plus strand). Cytogenetic location: 9q34.3.
Variant type: single nucleotide variant.
Coding change: c.2013+19G>A on transcript NM_007327.4 (MANE Select); 19 bases into the intron after coding-DNA position 2013, G replaced by A.
Molecular consequence: intron variant.
Genome position (GRCh38, 1-based): chr9:137,162,758, G>A. VCF-style: chr9-137162758-G-A. GRCh37 (hg19) VCF-style: chr9-140057210-G-A.
Other names: c.2076+19G>A (NM_001185090.2, NM_001185091.2); c.2013+19G>A (NM_021569.4, NM_000832.7).
Identifiers: ClinVar variation 390163 (VCV000390163.4), dbSNP rs1043866330, ClinGen allele CA16606484.

ClinVar aggregate classification (germline): Likely benign. Review status: criteria provided, multiple submitters, no conflicts (2 of 4 stars). 2 submissions from 2 submitters: Likely benign (2). Last evaluated 2024-07-23.

Conditions:
Neurodevelopmental disorder with or without hyperkinetic movements and seizures, autosomal dominant. Also called: Intellectual disability, autosomal dominant 8. Identifiers: MedGen C3280282, MONDO:0013655, OMIM 614254.

Allele frequency attached by ClinVar (database versions not stated): gnomAD exomes 0.00002; TOPMed 0.00002.
gnomAD v4.1: 35 of 1,601,732 alleles (0.0022%); highest among the groups gnomAD compares: Admixed American, 0.0052%; no homozygotes.

Submissions (2):

Labcorp Genetics (formerly Invitae), Labcorp
Classification: Likely benign for Neurodevelopmental disorder with or without hyperkinetic movements and seizures, autosomal dominant. Last evaluated: 2024-07-23. Review status: criteria provided, single submitter. Criteria: Invitae Variant Classification Sherloc (09022015). Collection method: clinical testing. Allele origin: germline.

GeneDx
Classification: Likely benign. Last evaluated: 2016-10-26. Review status: criteria provided, single submitter. Criteria: GeneDx Variant Classification (06012015). Collection method: clinical testing. Allele origin: germline. Affected: yes.
Comment: This variant is considered likely benign or benign based on one or more of the following criteria: it is a conservative change, it occurs at a poorly conserved position in the protein, it is predicted to be benign by multiple in silico algorithms, and/or has population frequency not consistent with disease.